The following is an entry in ClinVar:

NM_001379110.1(SLC9A6):c.170-16T>A

Gene: SLC9A6 (solute carrier family 9 member A6; plus strand). Cytogenetic location: Xq26.3.
Variant type: single nucleotide variant.
Coding change: c.170-16T>A on transcript NM_001379110.1 (MANE Select); 16 bases into the intron before coding-DNA position 170, T replaced by A.
Molecular consequence: intron variant.
Genome position (GRCh38, 1-based): chrX:135,994,770, T>A. VCF-style: chrX-135994770-T-A. GRCh37 (hg19) VCF-style: chrX-135076929-T-A.
Other names: c.326-16T>A (NM_001042537.2, NM_006359.3); c.170-16T>A (NM_001177651.2, NM_001330652.2).
Identifiers: ClinVar variation 507119 (VCV000507119.4), dbSNP rs548206389, ClinGen allele CA10524634.

ClinVar aggregate classification (germline): Benign/Likely benign. Review status: criteria provided, multiple submitters, no conflicts (2 of 4 stars). 2 submissions from 2 submitters: Benign (1); Likely benign (1). Last evaluated 2025-01-11.

Conditions:
Christianson syndrome (MRXSCH). Also called: SLC9A6-Related Syndromic Mental Retardation; X-linked mental retardation, syndromic, Christianson type; INTELLECTUAL DEVELOPMENTAL DISORDER, X-LINKED, SYNDROMIC, CHRISTIANSON TYPE. Identifiers: Orphanet 85278, MedGen C2678194, MONDO:0010278, OMIM 300243.

Allele frequency attached by ClinVar (database versions not stated): TOPMed below 0.00001; gnomAD exomes 0.00003 and 0.00006; ExAC 0.00006.
gnomAD v4.1: 28 of 1,205,402 alleles (0.0023%); highest among the groups gnomAD compares: South Asian, 0.047%; no homozygotes.

Submissions (2):

Labcorp Genetics (formerly Invitae), Labcorp
Classification: Benign for Christianson syndrome. Last evaluated: 2025-01-11. Review status: criteria provided, single submitter. Criteria: Invitae Variant Classification Sherloc (09022015). Collection method: clinical testing. Allele origin: germline.

GeneDx
Classification: Likely benign. Last evaluated: 2017-02-01. Review status: criteria provided, single submitter. Criteria: GeneDx Variant Classification (06012015). Collection method: clinical testing. Allele origin: germline. Affected: yes.
Comment: This variant is considered likely benign or benign based on one or more of the following criteria: it is a conservative change, it occurs at a poorly conserved position in the protein, it is predicted to be benign by multiple in silico algorithms, and/or has population frequency not consistent with disease.